The following is an entry in ClinVar:

NM_001164665.2(KIAA1549):c.829G>A (p.Val277Met)

Gene: KIAA1549 (KIAA1549; minus strand). Cytogenetic location: 7q34.
Variant type: single nucleotide variant.
Coding change: c.829G>A on transcript NM_001164665.2 (MANE Select); coding-DNA position 829, G replaced by A.
Protein change: p.Val277Met; replaces valine 277 with methionine.
Molecular consequence: missense variant.
Genome position (GRCh38, 1-based): chr7:138,918,797, C>T on the plus strand (G>A on the coding strand, the complement: KIAA1549 is on the minus strand). VCF-style: chr7-138918797-C-T. GRCh37 (hg19) VCF-style: chr7-138603543-C-T.
Other names: c.829G>A, p.Val277Met (NM_020910.3); short protein forms V277M.
Identifiers: ClinVar variation 1046464 (VCV001046464.6), dbSNP rs371968423, ClinGen allele CA4506861.
Genomic context (GRCh38, chr7:138,918,797, plus strand): 5'-TGCCGTCGCCTAACGGCTGTGGCATTAAAGACCGGGAGCTTAAAAAAAGGGTGGTTTCCA[C>T]ACCCTCTGTTAGGGAAGCCACAATCTCTGGCAGAGTCCTGCTTGATAAATGACTGTAAGC-3'
Protein context (NP_001158137.1, residues 267-287): PEIVASLTEG[Val277Met]ETTLFLSSRS

ClinVar aggregate classification (germline): Uncertain significance. Review status: criteria provided, multiple submitters, no conflicts (2 of 4 stars). 2 submissions from 2 submitters: Uncertain significance (2). Last evaluated 2023-08-04.

Allele frequency attached by ClinVar (database versions not stated): ESP Exome Variant Server 0.00008; TOPMed 0.00009; gnomAD 0.00010 and 0.00011.
gnomAD v4.1: 19 of 1,613,884 alleles (0.0012%); highest among the groups gnomAD compares: African/African-American, 0.024%; no homozygotes.

Submissions (2):

Labcorp Genetics (formerly Invitae), Labcorp
Classification: Uncertain significance. Last evaluated: 2023-08-04. Review status: criteria provided, single submitter. Criteria: Invitae Variant Classification Sherloc (09022015). Collection method: clinical testing. Allele origin: germline.
Comment: ClinVar contains an entry for this variant (Variation ID: 1046464). In summary, the available evidence is currently insufficient to determine the role of this variant in disease. Therefore, it has been classified as a Variant of Uncertain Significance. An algorithm developed to predict the effect of missense changes on protein structure and function (PolyPhen-2) suggests that this variant¬†is likely to be tolerated. This variant has not been reported in the literature in individuals affected with KIAA1549-related conditions. This variant is present in population databases (rs371968423, gnomAD 0.03%). This sequence change replaces valine, which is neutral and non-polar, with methionine, which is neutral and non-polar, at codon 277 of the KIAA1549 protein (p.Val277Met).

Blueprint Genetics
Classification: Uncertain significance. Last evaluated: 2022-12-02. Review status: criteria provided, single submitter. Criteria: ACMG Guidelines, 2015. Collection method: clinical testing. Allele origin: germline.